The following is an entry in ClinVar:

ClinVar aggregate classification (germline): Uncertain significance. Review status: criteria provided, multiple submitters, no conflicts (2 of 4 stars). 2 submissions from 2 submitters: Uncertain significance (2). Last evaluated 2025-03-06.

Conditions:
Hereditary cancer-predisposing syndrome. Also called: Tumor predisposition; Hereditary neoplastic syndrome; Hereditary Cancer Syndrome; Neoplastic Syndromes, Hereditary. Identifiers: Orphanet 140162, MedGen C0027672, MeSH D009386, MONDO:0015356.
Tuberous sclerosis 2 (TSC2). Identifiers: Orphanet 805, MedGen C1860707, MONDO:0013199, OMIM 613254.

Submissions (2):

Ambry Genetics
Classification: Uncertain significance for Hereditary cancer-predisposing syndrome. Last evaluated: 2025-03-06. Review status: criteria provided, single submitter. Criteria: Ambry Variant Classification Scheme 2023. Collection method: clinical testing. Allele origin: germline.
Comment: The p.E1442Q variant (also known as c.4324G>C), located in coding exon 33 of the TSC2 gene, results from a G to C substitution at nucleotide position 4324. The glutamic acid at codon 1442 is replaced by glutamine, an amino acid with highly similar properties. This amino acid position is conserved. In addition, the in silico prediction for this alteration is inconclusive. Based on the available evidence, the clinical significance of this variant remains unclear.

Labcorp Genetics (formerly Invitae), Labcorp
Classification: Uncertain significance for Tuberous sclerosis 2. Last evaluated: 2023-12-19. Review status: criteria provided, single submitter. Criteria: Invitae Variant Classification Sherloc (09022015). Collection method: clinical testing. Allele origin: germline.
Comment: This sequence change replaces glutamic acid, which is acidic and polar, with glutamine, which is neutral and polar, at codon 1442 of the TSC2 protein (p.Glu1442Gln). This variant is not present in population databases (gnomAD no frequency). This variant has not been reported in the literature in individuals affected with TSC2-related conditions. ClinVar contains an entry for this variant (Variation ID: 1963872). Advanced modeling of protein sequence and biophysical properties (such as structural, functional, and spatial information, amino acid conservation, physicochemical variation, residue mobility, and thermodynamic stability) performed at Invitae indicates that this missense variant is not expected to disrupt TSC2 protein function with a negative predictive value of 95%. In summary, the available evidence is currently insufficient to determine the role of this variant in disease. Therefore, it has been classified as a Variant of Uncertain Significance.

NM_000548.5(TSC2):c.4324G>C (p.Glu1442Gln)

Gene: TSC2 (TSC complex subunit 2; plus strand). Cytogenetic location: 16p13.3.
Variant type: single nucleotide variant.
Coding change: c.4324G>C on transcript NM_000548.5 (MANE Select); coding-DNA position 4324, G replaced by C.
Protein change: p.Glu1442Gln; replaces glutamic acid 1442 with glutamine.
Molecular consequence: missense variant.
Genome position (GRCh38, 1-based): chr16:2,084,546, G>C. VCF-style: chr16-2084546-G-C. GRCh37 (hg19) VCF-style: chr16-2134547-G-C.
Other names: c.4123G>C, p.Glu1375Gln (NM_001077183.3); c.4255G>C, p.Glu1419Gln (NM_001114382.3); c.4015G>C, p.Glu1339Gln (NM_001318827.2); c.3979G>C, p.Glu1327Gln (NM_001318829.2); c.3592G>C, p.Glu1198Gln (NM_001318831.2); c.4156G>C, p.Glu1386Gln (NM_001318832.2); c.4126G>C, p.Glu1376Gln (NM_001363528.2); c.4192G>C, p.Glu1398Gln (NM_001370404.1); and 26 more; short protein forms E1219Q, E1371Q, E1372Q, E1382Q, E1398Q, E1418Q, E1442Q, E1327Q.
Identifiers: ClinVar variation 1963872 (VCV001963872.6), dbSNP rs45469392, ClinGen allele CA394301341.